The following is an entry in ClinVar:

ClinVar aggregate classification (germline): Conflicting classifications of pathogenicity. Review status: criteria provided, conflicting classifications (1 of 4 stars). 6 submissions from 6 submitters: Uncertain significance (3); Benign (1); Likely benign (2). Last evaluated 2025-11-11.

Conditions:
Hypertrophic cardiomyopathy. Also called: HYPERTROPHIC MYOCARDIOPATHY. Identifiers: Orphanet 217569, MedGen C0007194, MeSH D002312, MONDO:0005045, HP:0001639.
Cardiovascular phenotype. Identifiers: MedGen CN230736.

Allele frequency attached by ClinVar (database versions not stated): gnomAD exomes 0.00017; ExAC 0.00024; ESP Exome Variant Server 0.00062; TOPMed 0.00062; 1000 Genomes Project 0.00080; 1000 Genomes Project 30x 0.00094.
gnomAD v4.1: 172 of 1,614,150 alleles (0.011%); highest among the groups gnomAD compares: African/African-American, 0.18%; no homozygotes.

Submissions (6):

Labcorp Genetics (formerly Invitae), Labcorp
Classification: Benign. Last evaluated: 2025-11-11. Review status: criteria provided, single submitter. Criteria: Invitae Variant Classification Sherloc (09022015). Collection method: clinical testing. Allele origin: germline.

Ambry Genetics
Classification: Likely benign for Cardiovascular phenotype. Last evaluated: 2025-07-16. Review status: criteria provided, single submitter. Criteria: Ambry Variant Classification Scheme 2023. Collection method: clinical testing. Allele origin: germline.

Women's Health and Genetics/Laboratory Corporation of America, LabCorp
Classification: Likely benign. Last evaluated: 2025-05-22. Review status: criteria provided, single submitter. Criteria: LabCorp Variant Classification Summary - May 2015. Collection method: clinical testing. Allele origin: germline.

Cambridge Genomics Laboratory, East Genomic Laboratory Hub, NHS Genomic Medicine Service
Classification: Uncertain significance for Hypertrophic cardiomyopathy. Last evaluated: 2020-02-21. Review status: criteria provided, single submitter. Criteria: ACGS Best Practice Guidelines for Variant Classification in Rare Disease 2020. Collection method: clinical testing. Allele origin: germline. Affected: yes. Observed: 1 variant allele.

GeneDx
Classification: Uncertain significance. Last evaluated: 2019-09-27. Review status: criteria provided, single submitter. Criteria: GeneDx Variant Classification Process June 2021. Collection method: clinical testing. Allele origin: germline. Affected: yes.
Comment: Has not been previously published as pathogenic or benign to our knowledge; In silico analysis, which includes protein predictors and evolutionary conservation, supports a deleterious effect

Revvity Omics, Revvity
Classification: Uncertain significance. Last evaluated: 2019-06-06. Review status: criteria provided, single submitter. Criteria: ACMG Guidelines, 2015. Collection method: clinical testing. Allele origin: germline.

NM_005502.4(ABCA1):c.4250G>A (p.Arg1417His)

Gene: ABCA1 (ATP binding cassette subfamily A member 1; minus strand). Cytogenetic location: 9q31.1.
Variant type: single nucleotide variant.
Coding change: c.4250G>A on transcript NM_005502.4 (MANE Select); coding-DNA position 4250, G replaced by A.
Protein change: p.Arg1417His; replaces arginine 1417 with histidine.
Molecular consequence: missense variant.
Genome position (GRCh38, 1-based): chr9:104,809,490, C>T on the plus strand (G>A on the coding strand, the complement: ABCA1 is on the minus strand). VCF-style: chr9-104809490-C-T. GRCh37 (hg19) VCF-style: chr9-107571771-C-T.
Other names: short protein forms R1417H.
Identifiers: ClinVar variation 1220263 (VCV001220263.19), dbSNP rs116034780, ClinGen allele CA5168192.